The following is an entry in ClinVar:

NM_003289.4(TPM2):c.374+9G>C

Gene: TPM2 (tropomyosin 2; minus strand). Cytogenetic location: 9p13.3.
Variant type: single nucleotide variant.
Coding change: c.374+9G>C on transcript NM_003289.4 (MANE Select); 9 bases into the intron after coding-DNA position 374, G replaced by C.
Molecular consequence: intron variant.
Genome position (GRCh38, 1-based): chr9:35,685,638, C>G on the plus strand (G>C on the coding strand, the complement: TPM2 is on the minus strand). VCF-style: chr9-35685638-C-G. GRCh37 (hg19) VCF-style: chr9-35685635-C-G.
Other names: c.374+9G>C (NM_213674.1, NM_001301226.2, NM_001301227.2).
Identifiers: ClinVar variation 458723 (VCV000458723.18), dbSNP rs200730708, ClinGen allele CA5047388.

ClinVar aggregate classification (germline): Conflicting classifications of pathogenicity. Review status: criteria provided, conflicting classifications (1 of 4 stars). 4 submissions from 3 submitters: Uncertain significance (1); Benign (1); Likely benign (1). 1 of the submissions does not count toward it. Last evaluated 2026-01-07.

Conditions:
TPM2-related disorder. Also called: TPM2-related condition; TPM2-related disorders.
Arthrogryposis, distal, type 1A. Also called: ARTHROGRYPOSIS MULTIPLEX CONGENITA, DISTAL, TYPE I. Identifiers: Orphanet 1146, MedGen C6022280, MONDO:0007157, OMIM 108120.
Congenital myopathy 23 (CMYO23). Also called: NEMALINE MYOPATHY 4; CAP MYOPATHY 2; Nemaline myopathy 4, autosomal dominant. Identifiers: MedGen C1836447, MONDO:0012240, OMIM 609285.

Allele frequency attached by ClinVar (database versions not stated): gnomAD 0.00004 and 0.00007; TOPMed 0.00006; gnomAD exomes 0.00016; ExAC 0.00019; 1000 Genomes Project 0.00060; 1000 Genomes Project 30x 0.00062.
gnomAD v4.1: 95 of 1,614,162 alleles (0.0059%); highest among the groups gnomAD compares: East Asian, 0.085%; no homozygotes.

Submissions (4):

Labcorp Genetics (formerly Invitae), Labcorp
Classification: Likely benign for Digitotalar dysmorphism. Last evaluated: 2026-01-07. Review status: criteria provided, single submitter. Criteria: Invitae Variant Classification Sherloc (09022015). Collection method: clinical testing. Allele origin: germline.

Illumina Laboratory Services, Illumina
Classification: Uncertain significance for Arthrogryposis, distal, type 1A. Last evaluated: 2018-01-13. Review status: criteria provided, single submitter. Criteria: ICSL Variant Classification Criteria 13 December 2019. Collection method: clinical testing. Allele origin: germline.

Illumina Laboratory Services, Illumina
Classification: Benign for Congenital myopathy 23. Last evaluated: 2018-01-13. Review status: criteria provided, single submitter. Criteria: ICSL Variant Classification Criteria 13 December 2019. Collection method: clinical testing. Allele origin: germline.
Comment: This variant was observed in the ICSL laboratory as part of a predisposition screen in an ostensibly healthy population. It had not been previously curated by ICSL or reported in the Human Gene Mutation Database (HGMD: prior to June 1st, 2018), and was therefore a candidate for classification through an automated scoring system. Utilizing variant allele frequency, disease prevalence and penetrance estimates, and inheritance mode, an automated score was calculated to assess if this variant is too frequent to cause the disease. Based on the score and internal cut-off values, a variant classified as benign is not then subjected to further curation. The score for this variant resulted in a classification of benign for this disease.

PreventionGenetics, part of Exact Sciences
Classification: Likely benign for TPM2-related condition. Last evaluated: 2019-03-21. Review status: no assertion criteria provided. Collection method: clinical testing. Allele origin: germline. Not counted in ClinVar's aggregate classification.
Comment: This variant is classified as likely benign based on ACMG/AMP sequence variant interpretation guidelines (Richards et al. 2015 PMID: 25741868, with internal and published modifications).